The following is an entry in ClinVar:

NM_004773.4(ZNHIT3):c.302dup (p.Leu101fs)

Gene: ZNHIT3 (zinc finger HIT-type containing 3; plus strand). Cytogenetic location: 17q12.
Variant type: Duplication.
Coding change: c.302dup on transcript NM_004773.4 (MANE Select); coding-DNA position 302, one base duplicated (T; older notation c.302dupT).
Protein change: p.Leu101fs; shifts the reading frame from leucine 101.
Molecular consequence: frameshift variant. On other transcripts: 3 prime UTR variant (1), non-coding transcript variant (2), intron variant (1).
Genome position (GRCh38, 1-based): chr17:36,495,238, T duplicated; the last of 2 consecutive T bases (chr17:36,495,237-36,495,238); duplicating either gives the same sequence. VCF-style (leftmost placement, unchanged base first): chr17-36495236-A-AT. GRCh37 (hg19) VCF-style: chr17-34851080-A-AT.
Other names: c.*25dup (NM_001281433.2); c.134dup, p.Leu45fs (NM_001281434.2); c.286+1232dup (NM_001281432.2); short protein forms L101fs, L45fs.
Identifiers: ClinVar variation 987852 (VCV000987852.1), dbSNP rs763435615, ClinGen allele CA289925245.

ClinVar aggregate classification (germline): Uncertain significance (1 of 4 stars; one submission).

Submission:

Women's Health and Genetics/Laboratory Corporation of America, LabCorp
Classification: Uncertain significance. Last evaluated: 2020-11-12. Review status: criteria provided, single submitter. Criteria: LabCorp Variant Classification Summary - May 2015. Collection method: clinical testing. Allele origin: germline.
Comment: Variant summary: ZNHIT3 c.302dupT (p.Leu101PhefsX53) results in a premature termination codon, predicted to cause a truncation of the encoded protein at codon 154. Of note, the encoded protein consists of only 155 amino acids. The variant allele was found at a frequency of 4.6e-06 in 219388 control chromosomes (gnomAD). To our knowledge, no occurrence of c.302dupT in individuals affected with PEHO Syndrome and no experimental evidence demonstrating its impact on protein function have been reported. No clinical diagnostic laboratories have submitted clinical-significance assessments for this variant to ClinVar after 2014. Based on the evidence outlined above and given the very close proximity of the premature termination codon to the native termination codon of the protein, the variant was classified as uncertain significance.